The following is an entry in ClinVar:

ClinVar aggregate classification (germline): Uncertain significance (0 of 4 stars; one submission).

Conditions:
C3-related disorder. Also called: C3-related condition.

Submission:

PreventionGenetics, part of Exact Sciences
Classification: Uncertain significance for C3-related condition. Last evaluated: 2023-10-26. Review status: no assertion criteria provided. Collection method: clinical testing. Allele origin: germline.
Comment: The C3 c.3899T>A variant is predicted to result in the amino acid substitution p.Leu1300Gln. To our knowledge, this variant has not been reported in the literature or in a large population database, indicating this variant is rare. At this time, the clinical significance of this variant is uncertain due to the absence of conclusive functional and genetic evidence.

NM_000064.4(C3):c.3899T>A (p.Leu1300Gln)

Gene: C3 (complement C3; minus strand). Cytogenetic location: 19p13.3.
Variant type: single nucleotide variant.
Coding change: c.3899T>A on transcript NM_000064.4 (MANE Select); coding-DNA position 3899, T replaced by A.
Protein change: p.Leu1300Gln; replaces leucine 1300 with glutamine.
Molecular consequence: missense variant.
Genome position (GRCh38, 1-based): chr19:6,685,058, A>T on the plus strand (T>A on the coding strand, the complement: C3 is on the minus strand). VCF-style: chr19-6685058-A-T. GRCh37 (hg19) VCF-style: chr19-6685069-A-T.
Other names: short protein forms L1300Q.
Identifiers: ClinVar variation 3061496 (VCV003061496.2), dbSNP rs2145396562, ClinGen allele CA403618408.